The following is an entry in ClinVar:

NM_001173464.2(KIF21A):c.2418+6T>A

Gene: KIF21A (kinesin family member 21A; minus strand). Cytogenetic location: 12q12.
Variant type: single nucleotide variant.
Coding change: c.2418+6T>A on transcript NM_001173464.2 (MANE Select); 6 bases into the intron after coding-DNA position 2418, T replaced by A.
Molecular consequence: intron variant.
Genome position (GRCh38, 1-based): chr12:39,337,090, A>T on the plus strand (T>A on the coding strand, the complement: KIF21A is on the minus strand). VCF-style: chr12-39337090-A-T. GRCh37 (hg19) VCF-style: chr12-39730892-A-T.
Other names: c.2379+6T>A (NM_001173465.2, NM_001173463.2, NM_017641.4 and 1 more transcripts); c.2418+6T>A (NM_001378440.1, NM_001378439.1).
Identifiers: ClinVar variation 3374782 (VCV003374782.1).
Genomic context (GRCh38, chr12:39,337,090, plus strand): 5'-CATTTATTAAACAATCTTTTTCAACGTACAATTTTCTTATATAACTGAGAGTTAAAATCC[A>T]CTTACATCTCTTTTACGTTGATCCTTTTTCAACTGAGCAATCTCTCTGTTTCTTCTAGAC-3'

ClinVar aggregate classification (germline): Uncertain significance (1 of 4 stars; one submission).

gnomAD v4.1: 25 of 1,559,706 alleles (0.0016%); highest among the groups gnomAD compares: Non-Finnish European, 0.0021%; no homozygotes.

Submission:

Women's Health and Genetics/Laboratory Corporation of America, LabCorp
Classification: Uncertain significance. Last evaluated: 2024-09-16. Review status: criteria provided, single submitter. Criteria: LabCorp Variant Classification Summary - May 2015. Collection method: clinical testing. Allele origin: germline.
Comment: Variant summary: KIF21A c.2418+6T>A alters a conserved nucleotide located close to a canonical splice site and therefore could affect mRNA splicing, leading to a significantly altered protein sequence. Several computational tools predict a significant impact on normal splicing: Two predict the variant weakens the canonical 5' donor site. One predict the variant abolishes the canonical 5' splicing donor site. One predict the variant no significant impact on splicing. However, these predictions have yet to be confirmed by functional studies. The variant allele was found at a frequency of 2.8e-05 in 249608 control chromosomes. The available data on variant occurrences in the general population are insufficient to allow any conclusion about variant significance. To our knowledge, no occurrence of c.2418+6T>A in individuals affected with KIF21A-Related Disorders and no experimental evidence demonstrating its impact on protein function have been reported. No submitters have cited clinical-significance assessments for this variant to ClinVar. Based on the evidence outlined above, the variant was classified as uncertain significance.